The following is an entry in ClinVar:

NM_001369.3(DNAH5):c.11322C>T (p.Ser3774=)

Genes: DNAH5 (dynein axonemal heavy chain 5; minus strand), LOC107457585 (meiotic recombination hotspot J; plus strand). Cytogenetic location: 5p15.2.
Variant type: single nucleotide variant.
Coding change: c.11322C>T on transcript NM_001369.3 (MANE Select); coding-DNA position 11322, C replaced by T.
Protein change: p.Ser3774=; no amino-acid change (serine 3774 retained).
Molecular consequence: synonymous variant.
Genome position (GRCh38, 1-based): chr5:13,737,385, G>A on the plus strand (C>T on the coding strand, the complement: DNAH5 is on the minus strand). VCF-style: chr5-13737385-G-A. GRCh37 (hg19) VCF-style: chr5-13737494-G-A.
Identifiers: ClinVar variation 75658 (VCV000075658.18), dbSNP rs267600357, ClinGen allele CA246964.

ClinVar aggregate classification (germline): Conflicting classifications of pathogenicity. Review status: criteria provided, conflicting classifications (1 of 4 stars). 4 submissions from 4 submitters: Uncertain significance (1); Likely benign (2). 1 of the submissions does not count toward it. Last evaluated 2025-07-31.

Conditions:
DNAH5-related disorder. Also called: DNAH5-related condition.
Primary ciliary dyskinesia. Also called: Ciliary dyskinesia. Identifiers: Orphanet 244, MedGen C0008780, MONDO:0016575, HP:0012265.

Allele frequency attached by ClinVar (database versions not stated): 1000 Genomes Project 0.00060; gnomAD 0.00010 and 0.00011; TOPMed 0.00012; ESP Exome Variant Server 0.00008; 1000 Genomes Project 30x 0.00078.
gnomAD v4.1: 29 of 1,614,008 alleles (0.0018%); highest among the groups gnomAD compares: African/African-American, 0.031%; no homozygotes.

Submissions (4):

Labcorp Genetics (formerly Invitae), Labcorp
Classification: Likely benign for Primary ciliary dyskinesia. Last evaluated: 2025-07-31. Review status: criteria provided, single submitter. Criteria: Invitae Variant Classification Sherloc (09022015). Collection method: clinical testing. Allele origin: germline.

Ambry Genetics
Classification: Likely benign for Primary ciliary dyskinesia. Last evaluated: 2014-10-08. Review status: criteria provided, single submitter. Criteria: Ambry Variant Classification Scheme 2023. Collection method: clinical testing. Allele origin: germline.

Eurofins Ntd Llc (ga)
Classification: Uncertain significance. Last evaluated: 2014-07-29. Review status: criteria provided, single submitter. Criteria: EGL Classification Definitions 2015. Collection method: clinical testing. Allele origin: germline. Observed: 1 variant allele, 1 heterozygote.

PreventionGenetics, part of Exact Sciences
Classification: Likely benign for DNAH5-related condition. Last evaluated: 2024-02-18. Review status: no assertion criteria provided. Collection method: clinical testing. Allele origin: germline. Not counted in ClinVar's aggregate classification.
Comment: This variant is classified as likely benign based on ACMG/AMP sequence variant interpretation guidelines (Richards et al. 2015 PMID: 25741868, with internal and published modifications).